The following is an entry in ClinVar:

NM_002693.3(POLG):c.927C>T (p.Arg309=)

Gene: POLG (DNA polymerase gamma, catalytic subunit; minus strand). Cytogenetic location: 15q26.1.
Variant type: single nucleotide variant.
Coding change: c.927C>T on transcript NM_002693.3 (MANE Select); coding-DNA position 927, C replaced by T.
Protein change: p.Arg309=; no amino-acid change (arginine 309 retained).
Molecular consequence: synonymous variant.
Genome position (GRCh38, 1-based): chr15:89,329,039, G>A on the plus strand (C>T on the coding strand, the complement: POLG is on the minus strand). VCF-style: chr15-89329039-G-A. GRCh37 (hg19) VCF-style: chr15-89872270-G-A.
Other names: c.927C>T, p.Arg309= (NM_001126131.2).
Identifiers: ClinVar variation 1090995 (VCV001090995.17), dbSNP rs370964643, ClinGen allele CA7724997.

ClinVar aggregate classification (germline): Likely benign. Review status: criteria provided, multiple submitters, no conflicts (2 of 4 stars). 2 submissions from 2 submitters: Likely benign (2). Last evaluated 2026-02-03.

Conditions:
Progressive sclerosing poliodystrophy (MTDPS4A). Also called: Alpers-Huttenlocher Syndrome; Mitochondrial DNA Depletion Syndrome 4A; Alpers-Huttenlocher Syndrome (AHS); ALPERS PROGRESSIVE INFANTILE POLIODYSTROPHY; Alpers Syndrome; ALPERS DIFFUSE DEGENERATION OF CEREBRAL GRAY MATTER WITH HEPATIC CIRRHOSIS. Identifiers: Orphanet 726, MedGen C0205710, MONDO:0008758, OMIM 203700.

Allele frequency attached by ClinVar (database versions not stated): gnomAD exomes 0.00002 and 0.00003; ExAC 0.00004; ESP Exome Variant Server 0.00015.

Submissions (2):

Labcorp Genetics (formerly Invitae), Labcorp
Classification: Likely benign for Progressive sclerosing poliodystrophy. Last evaluated: 2026-02-03. Review status: criteria provided, single submitter. Criteria: Invitae Variant Classification Sherloc (09022015). Collection method: clinical testing. Allele origin: germline.

CeGaT Center for Human Genetics Tuebingen
Classification: Likely benign. Last evaluated: 2025-07-01. Review status: criteria provided, single submitter. Criteria: CeGaT Center For Human Genetics Tuebingen Variant Classification Criteria Version 2. Collection method: clinical testing. Allele origin: germline. Affected: yes. Observed: 1 variant allele.
Comment: POLG: BP4, BP7